The following is an entry in ClinVar:

Conditions:
Breast-ovarian cancer, familial, susceptibility to, 1 (BROVCA1). Also called: BRCA1 Hereditary Breast and Ovarian Cancer; OVARIAN CANCER, SUSCEPTIBILITY TO. Identifiers: Orphanet 145, MedGen C2676676, MONDO:0011450, OMIM 604370. Disease mechanism: loss of function.

Submission:

Brotman Baty Institute, University of Washington
No classification provided (evidence only). Condition: Breast-ovarian cancer, familial 1. Review status: no classification provided. Collection method: in vitro. Allele origin: not applicable. Functional consequence: functionally_abnormal.
ClinVar note: "not provided" was previously submitted as the classification for the variant. However, the classification appeared to be based only on an observation of functional data so it was converted to no classification on 2025-07-30.

NM_007294.4(BRCA1):c.245T>C (p.Leu82Pro)

Gene: BRCA1 (BRCA1 DNA repair associated; minus strand). Cytogenetic location: 17q21.31.
Variant type: single nucleotide variant.
Coding change: c.245T>C on transcript NM_007294.4 (MANE Select); coding-DNA position 245, T replaced by C.
Protein change: p.Leu82Pro; replaces leucine 82 with proline.
Molecular consequence: missense variant. On other transcripts: non-coding transcript variant (1).
Genome position (GRCh38, 1-based): chr17:43,104,924, A>G on the plus strand (T>C on the coding strand, the complement: BRCA1 is on the minus strand). VCF-style: chr17-43104924-A-G. GRCh37 (hg19) VCF-style: chr17-41256941-A-G.
Other names: c.35T>C, p.Leu12Pro (NM_001407571.1, NM_001407853.1, NM_001407879.1 and 58 more transcripts); c.245T>C, p.Leu82Pro (NM_001407581.1, NM_001407582.1, NM_001407583.1 and 168 more transcripts); c.167T>C, p.Leu56Pro (NM_001407653.1, NM_001407654.1, NM_001407655.1 and 21 more transcripts); c.104T>C, p.Leu35Pro (NM_001407692.1, NM_001407694.1, NM_001407695.1 and 99 more transcripts); c.-137T>C (NM_001407959.1, NM_001407960.1, NM_001407962.1 and 4 more transcripts); c.113T>C, p.Leu38Pro (NM_001408451.1); short protein forms L35P, L82P, L12P, L56P, L38P.
Identifiers: ClinVar variation 867370 (VCV000867370.3), dbSNP rs2054687973, ClinGen allele CA10601665.